The following is an entry in ClinVar:

ClinVar aggregate classification (germline): Benign/Likely benign. Review status: criteria provided, multiple submitters, no conflicts (2 of 4 stars). 2 submissions from 2 submitters: Benign (1); Likely benign (1). Last evaluated 2025-10-26.

Conditions:
Familial cancer of breast. Also called: BREAST CANCER, FAMILIAL; Hereditary breast cancer; hereditary breast carcinoma. Identifiers: Orphanet 227535, MedGen C0346153, MONDO:0016419, OMIM 114480. Disease mechanism: loss of function.
Hereditary cancer-predisposing syndrome. Also called: Hereditary Cancer Syndrome; Tumor predisposition; Hereditary neoplastic syndrome; Neoplastic Syndromes, Hereditary. Identifiers: Orphanet 140162, MedGen C0027672, MeSH D009386, MONDO:0015356.

Submissions (2):

Ambry Genetics
Classification: Likely benign for Hereditary cancer-predisposing syndrome. Last evaluated: 2025-10-26. Review status: criteria provided, single submitter. Criteria: Ambry Variant Classification Scheme 2023. Collection method: clinical testing. Allele origin: germline.

Myriad Genetics, Inc.
Classification: Benign for Familial cancer of breast. Last evaluated: 2024-05-20. Review status: criteria provided, single submitter. Criteria: Myriad Autosomal Dominant, Autosomal Recessive and X-Linked Classification Criteria (2023). Collection method: clinical testing. Allele origin: unknown.
Comment: This variant is considered benign. This variant is a silent/synonymous amino acid change and it is not expected to impact splicing.

NM_000051.4(ATM):c.4674G>T (p.Thr1558=)

Gene: ATM (ATM serine/threonine kinase; plus strand). Cytogenetic location: 11q22.3.
Variant type: single nucleotide variant.
Coding change: c.4674G>T on transcript NM_000051.4 (MANE Select); coding-DNA position 4674, G replaced by T.
Protein change: p.Thr1558=; no amino-acid change (threonine 1558 retained).
Molecular consequence: synonymous variant.
Genome position (GRCh38, 1-based): chr11:108,293,375, G>T. VCF-style: chr11-108293375-G-T. GRCh37 (hg19) VCF-style: chr11-108164102-G-T.
Other names: c.4674G>T, p.Thr1558= (NM_001351834.2).
Identifiers: ClinVar variation 3254504 (VCV003254504.2), dbSNP rs876658474.